The following is an entry in ClinVar:

ClinVar aggregate classification (germline): Likely benign (1 of 4 stars; one submission).

gnomAD v4.1: 95 of 1,613,974 alleles (0.0059%); highest among the groups gnomAD compares: Admixed American, 0.077%; no homozygotes.

Submission:

Mayo Clinic Laboratories, Mayo Clinic
Classification: Likely benign. Last evaluated: 2025-10-22. Review status: criteria provided, single submitter. Criteria: ACMG Guidelines, 2015. Collection method: clinical testing. Allele origin: germline. Observed: 2 variant alleles.
Comment: BP4, BP7

NM_005223.4(DNASE1):c.60C>T (p.Ala20=)

Gene: DNASE1 (deoxyribonuclease 1; plus strand). Cytogenetic location: 16p13.3.
Variant type: single nucleotide variant.
Coding change: c.60C>T on transcript NM_005223.4 (MANE Select); coding-DNA position 60, C replaced by T.
Protein change: p.Ala20=; no amino-acid change (alanine 20 retained).
Molecular consequence: synonymous variant. On other transcripts: 5 prime UTR variant (1), non-coding transcript variant (2).
Genome position (GRCh38, 1-based): chr16:3,655,433, C>T. VCF-style: chr16-3655433-C-T. GRCh37 (hg19) VCF-style: chr16-3705434-C-T.
Other names: p.Ala20=; c.60C>T, p.Ala20= (NM_001387140.1, NM_001351825.2, NM_001387135.1 and 1 more transcripts); c.-59C>T (NM_001387141.1).
Identifiers: ClinVar variation 4684070 (VCV004684070.1).
Genomic context (GRCh38, chr16:3,655,433, plus strand): 5'-GATGAGGGGCATGAAGCTGCTGGGGGCGCTGCTGGCACTGGCGGCCCTACTGCAGGGGGC[C>T]GTGTCCCTGAAGATCGCAGCCTTCAACATCCAGACATTTGGGGAGACCAAGATGTCCAAT-3'
Protein context (NP_005214.2, residues 10-30): LLALAALLQG[Ala20=]VSLKIAAFNI